The following is an entry in ClinVar:

ClinVar aggregate classification (germline): Uncertain significance. Review status: criteria provided, multiple submitters, no conflicts (2 of 4 stars). 2 submissions from 2 submitters: Uncertain significance (2). Last evaluated 2025-08-20.

Conditions:
Joubert syndrome 23 (JBTS23). Identifiers: Orphanet 475, MedGen C4084822, MONDO:0014664, OMIM 616490.
Short-rib thoracic dysplasia 14 with polydactyly (SRTD14). Identifiers: Orphanet 397715, MedGen C4225286, MONDO:0014688, OMIM 616546.
Inborn genetic diseases. Identifiers: MedGen C0950123, MeSH D030342.

Allele frequency attached by ClinVar (database versions not stated): gnomAD exomes 0.00009 and 0.00005; TOPMed 0.00009; gnomAD 0.00010 and 0.00011; ExAC 0.00011; ESP Exome Variant Server 0.00008.
gnomAD v4.1: 84 of 1,604,702 alleles (0.0052%); highest among the groups gnomAD compares: African/African-American, 0.015%; no homozygotes.

Submissions (2):

Ambry Genetics
Classification: Uncertain significance for Inborn genetic diseases. Last evaluated: 2025-08-20. Review status: criteria provided, single submitter. Criteria: Ambry Variant Classification Scheme 2023. Collection method: clinical testing. Allele origin: germline.

Labcorp Genetics (formerly Invitae), Labcorp
Classification: Uncertain significance for Joubert syndrome 23; Short-rib thoracic dysplasia 14 with polydactyly. Last evaluated: 2023-11-01. Review status: criteria provided, single submitter. Criteria: Invitae Variant Classification Sherloc (09022015). Collection method: clinical testing. Allele origin: germline.
Comment: This sequence change replaces isoleucine, which is neutral and non-polar, with valine, which is neutral and non-polar, at codon 746 of the KIAA0586 protein (p.Ile746Val). This variant is present in population databases (rs200735064, gnomAD 0.02%). This variant has not been reported in the literature in individuals affected with KIAA0586-related conditions. ClinVar contains an entry for this variant (Variation ID: 1001629). Advanced modeling of protein sequence and biophysical properties (such as structural, functional, and spatial information, amino acid conservation, physicochemical variation, residue mobility, and thermodynamic stability) has been performed at Invitae for this missense variant, however the output from this modeling did not meet the statistical confidence thresholds required to predict the impact of this variant on KIAA0586 protein function. In summary, the available evidence is currently insufficient to determine the role of this variant in disease. Therefore, it has been classified as a Variant of Uncertain Significance.

NM_001329943.3(KIAA0586):c.2077A>G (p.Ile693Val)

Gene: KIAA0586 (KIAA0586; plus strand). Cytogenetic location: 14q23.1.
Variant type: single nucleotide variant.
Coding change: c.2077A>G on transcript NM_001329943.3 (MANE Select); coding-DNA position 2077, A replaced by G.
Protein change: p.Ile693Val; replaces isoleucine 693 with valine.
Molecular consequence: missense variant.
Genome position (GRCh38, 1-based): chr14:58,465,852, A>G. VCF-style: chr14-58465852-A-G. GRCh37 (hg19) VCF-style: chr14-58932570-A-G.
Other names: c.1849A>G (NM_014749.3); c.2236A>G, p.Ile746Val (NM_001244189.2); c.2032A>G, p.Ile678Val (NM_001244190.2); c.1822A>G, p.Ile608Val (NM_001244191.2, NM_001329945.2, NM_001364700.1 and 1 more transcripts); c.1945A>G, p.Ile649Val (NM_001244192.2); c.1657A>G, p.Ile553Val (NM_001244193.2); c.2077A>G, p.Ile693Val (NM_001329944.2, NM_001329946.2, NM_001329947.2); c.1849A>G, p.Ile617Val (NM_014749.5); short protein forms I553V, I608V, I617V, I649V, I678V, I693V, I746V.
Identifiers: ClinVar variation 1001629 (VCV001001629.5), dbSNP rs200735064, ClinGen allele CA7205784.
Genomic context (GRCh38, chr14:58,465,852, plus strand): 5'-TCTAACAATATTTTAAAATATCTGCCATTGGTGATTATTATAGGCACTAAGGTAAAGTCA[A>G]TAAGAACACAGACTGACTTCTATGCAACAAAACCTAAGAAGATGGATTCTAAAATGAAAC-3'
Protein context (NP_001316872.1, residues 683-703): ERVKGTKVKS[Ile693Val]RTQTDFYATK